The following is an entry in ClinVar:

ClinVar aggregate classification (germline): Uncertain significance (1 of 4 stars; one submission).

Conditions:
Retinitis pigmentosa 12 (RP12). Also called: RP WITH OR WITHOUT PRESERVED PARAARTERIOLE RETINAL PIGMENT EPITHELIUM; RETINITIS PIGMENTOSA WITH OR WITHOUT PARAARTERIOLAR PRESERVATION OF RETINAL PIGMENT EPITHELIUM; RP WITH OR WITHOUT PPRPE. Identifiers: Orphanet 791, MedGen C1838647, MONDO:0010818, OMIM 600105.
Leber congenital amaurosis 8 (LCA8). Identifiers: Orphanet 65, MedGen C3151202, MONDO:0013453, OMIM 613835.

Allele frequency attached by ClinVar (database versions not stated): gnomAD 0.00001; gnomAD exomes 0.00001; 1000 Genomes Project 30x 0.00016; 1000 Genomes Project 0.00020.
gnomAD v4.1: 12 of 1,613,880 alleles (0.00074%); highest among the groups gnomAD compares: African/African-American, 0.004%; no homozygotes.

Submission:

Labcorp Genetics (formerly Invitae), Labcorp
Classification: Uncertain significance for Leber congenital amaurosis 8; Retinitis pigmentosa 12. Last evaluated: 2023-11-27. Review status: criteria provided, single submitter. Criteria: Invitae Variant Classification Sherloc (09022015). Collection method: clinical testing. Allele origin: germline.
Comment: This sequence change replaces threonine, which is neutral and polar, with isoleucine, which is neutral and non-polar, at codon 882 of the CRB1 protein (p.Thr882Ile). This variant is present in population databases (rs200354761, gnomAD 0.006%). This variant has not been reported in the literature in individuals affected with CRB1-related conditions. ClinVar contains an entry for this variant (Variation ID: 2199233). Advanced modeling of protein sequence and biophysical properties (such as structural, functional, and spatial information, amino acid conservation, physicochemical variation, residue mobility, and thermodynamic stability) has been performed at Invitae for this missense variant, however the output from this modeling did not meet the statistical confidence thresholds required to predict the impact of this variant on CRB1 protein function. In summary, the available evidence is currently insufficient to determine the role of this variant in disease. Therefore, it has been classified as a Variant of Uncertain Significance.

NM_201253.3(CRB1):c.2645C>T (p.Thr882Ile)

Gene: CRB1 (crumbs cell polarity complex component 1; plus strand). Cytogenetic location: 1q31.3.
Variant type: single nucleotide variant.
Coding change: c.2645C>T on transcript NM_201253.3 (MANE Select); coding-DNA position 2645, C replaced by T.
Protein change: p.Thr882Ile; replaces threonine 882 with isoleucine.
Molecular consequence: missense variant. On other transcripts: non-coding transcript variant (2), intron variant (1).
Genome position (GRCh38, 1-based): chr1:197,427,970, C>T. VCF-style: chr1-197427970-C-T. GRCh37 (hg19) VCF-style: chr1-197397100-C-T.
Other names: c.2309C>T, p.Thr770Ile (NM_001193640.2); c.2438C>T, p.Thr813Ile (NM_001257965.2); c.2128+6014C>T (NM_001257966.2); short protein forms T813I, T770I, T882I.
Identifiers: ClinVar variation 2199233 (VCV002199233.2), dbSNP rs200354761, ClinGen allele CA35901206.